The following is an entry in ClinVar:

ClinVar aggregate classification (germline): Uncertain significance (1 of 4 stars; one submission).

Submission:

Labcorp Genetics (formerly Invitae), Labcorp
Classification: Uncertain significance. Last evaluated: 2023-07-26. Review status: criteria provided, single submitter. Criteria: Invitae Variant Classification Sherloc (09022015). Collection method: clinical testing. Allele origin: germline.
Comment: This variant results in a copy number gain of the genomic region encompassing exon(s) 3-4 of the COQ6 gene. While the exact position of this variant cannot be determined from the data, sub-genic copy number gains are generally in tandem (PMID: 25640679). This variant is predicted to be in-frame, and likely preserves the integrity of the reading frame. This variant has not been reported in the literature in individuals affected with COQ6-related conditions. Experimental studies and prediction algorithms are not available or were not evaluated, and the functional significance of this variant is currently unknown. In summary, the available evidence is currently insufficient to determine the role of this variant in disease. Therefore, it has been classified as a Variant of Uncertain Significance.

Literature cited by the submitters: PubMed 25640679.

NC_000014.8:g.(?_74422134)_(74422651_?)dup

Gene: COQ6 (coenzyme Q6, monooxygenase; plus strand). Cytogenetic location: 14q24.3.
Variant type: Duplication.
Identifiers: ClinVar variation 2427584 (VCV002427584.4).